The following is an entry in ClinVar:

ClinVar aggregate classification (germline): Pathogenic (1 of 4 stars; one submission).

gnomAD v4.1: 1 of 1,609,894 alleles (0.000062%); highest among the groups gnomAD compares: Non-Finnish European, 0.000085%; no homozygotes.

Submission:

Labcorp Genetics (formerly Invitae), Labcorp
Classification: Pathogenic. Last evaluated: 2023-01-17. Review status: criteria provided, single submitter. Criteria: Invitae Variant Classification Sherloc (09022015). Collection method: clinical testing. Allele origin: germline.
Comment: For these reasons, this variant has been classified as Pathogenic. This variant has not been reported in the literature in individuals affected with BMP1-related conditions. This variant is not present in population databases (gnomAD no frequency). This sequence change creates a premature translational stop signal (p.Tyr646*) in the BMP1 gene. It is expected to result in an absent or disrupted protein product. Loss-of-function variants in BMP1 are known to be pathogenic (PMID: 25656619, 27576954, 28257626).

Literature cited by the submitters: PubMed 25656619; PubMed 27576954; PubMed 28257626.

NM_006129.5(BMP1):c.1938C>A (p.Tyr646Ter)

Gene: BMP1 (bone morphogenetic protein 1; plus strand). Cytogenetic location: 8p21.3.
Variant type: single nucleotide variant.
Coding change: c.1938C>A on transcript NM_006129.5 (MANE Select); coding-DNA position 1938, C replaced by A.
Protein change: p.Tyr646Ter; replaces tyrosine 646 with a stop codon.
Molecular consequence: nonsense. On other transcripts: non-coding transcript variant (2).
Genome position (GRCh38, 1-based): chr8:22,197,251, C>A. VCF-style: chr8-22197251-C-A. GRCh37 (hg19) VCF-style: chr8-22054764-C-A.
Other names: c.1938C>A, p.Tyr646Ter (NM_001199.4); short protein forms Y646*.
Identifiers: ClinVar variation 2785857 (VCV002785857.3), dbSNP rs763299873, ClinGen allele CA370499489.